The following is an entry in ClinVar:

NM_012463.4(ATP6V0A2):c.1948A>G (p.Arg650Gly)

Gene: ATP6V0A2 (ATPase H+ transporting V0 subunit a2; plus strand). Cytogenetic location: 12q24.31.
Variant type: single nucleotide variant.
Coding change: c.1948A>G on transcript NM_012463.4 (MANE Select); coding-DNA position 1948, A replaced by G.
Protein change: p.Arg650Gly; replaces arginine 650 with glycine.
Molecular consequence: missense variant.
Genome position (GRCh38, 1-based): chr12:123,751,122, A>G. VCF-style: chr12-123751122-A-G. GRCh37 (hg19) VCF-style: chr12-124235669-A-G.
Other names: c.1948A>G (NM_012463.3); short protein forms R650G.
Identifiers: ClinVar variation 2065833 (VCV002065833.3), dbSNP rs2541871498, ClinGen allele CA387162872.
Genomic context (GRCh38, chr12:123,751,122, plus strand): 5'-GGCAGGCCTTCACGTTTTAATCGGGTTTCTCACCTTCTGCACTAACAGGAGTATGTCCAG[A>G]GAGTGCTGCTGGTTGTCACAGCATTGTCTGTCCCTGTCCTCTTCTTGGGAAAGCCACTGT-3'
Protein context (NP_036595.2, residues 640-660): GLYTGQEYVQ[Arg650Gly]VLLVVTALSV

ClinVar aggregate classification (germline): Uncertain significance. Review status: criteria provided, multiple submitters, no conflicts (2 of 4 stars). 2 submissions from 2 submitters: Uncertain significance (2). Last evaluated 2025-10-02.

Conditions:
ALG9 congenital disorder of glycosylation (CDG1L). Also called: CDG Il; CONGENITAL DISORDER OF GLYCOSYLATION, TYPE Il; ALG9-CDG. Identifiers: Orphanet 79328, MedGen C2931006, MONDO:0012117, OMIM 608776.
Inborn genetic diseases. Identifiers: MedGen C0950123, MeSH D030342.

Allele frequency attached by ClinVar (database versions not stated): gnomAD exomes below 0.00001.
gnomAD v4.1: 1 of 1,614,104 alleles (0.000062%); highest among the groups gnomAD compares: Non-Finnish European, 0.000085%; no homozygotes.

Submissions (2):

Ambry Genetics
Classification: Uncertain significance for Inborn genetic diseases. Last evaluated: 2025-10-02. Review status: criteria provided, single submitter. Criteria: Ambry Variant Classification Scheme 2023. Collection method: clinical testing. Allele origin: germline.

Labcorp Genetics (formerly Invitae), Labcorp
Classification: Uncertain significance for ALG9 congenital disorder of glycosylation. Last evaluated: 2022-08-07. Review status: criteria provided, single submitter. Criteria: Invitae Variant Classification Sherloc (09022015). Collection method: clinical testing. Allele origin: germline.
Comment: This sequence change replaces arginine, which is basic and polar, with glycine, which is neutral and non-polar, at codon 650 of the ATP6V0A2 protein (p.Arg650Gly). In summary, the available evidence is currently insufficient to determine the role of this variant in disease. Therefore, it has been classified as a Variant of Uncertain Significance. Algorithms developed to predict the effect of missense changes on protein structure and function (SIFT, PolyPhen-2, Align-GVGD) all suggest that this variant is likely to be tolerated. This variant has not been reported in the literature in individuals affected with ATP6V0A2-related conditions. This variant is not present in population databases (gnomAD no frequency).